The following is an entry in ClinVar:

ClinVar aggregate classification (germline): Pathogenic (1 of 4 stars; one submission).

Conditions:
Hereditary breast ovarian cancer syndrome. Also called: Hereditary breast and ovarian cancer syndrome (HBOC); Hereditary breast and/or ovarian cancer syndrome; Hereditary breast and ovarian cancer; BRCA1- and BRCA2-Associated Hereditary Breast and Ovarian Cancer; Hereditary breast and ovarian cancer syndrome; Breast and ovarian cancer. Identifiers: Orphanet 145, MedGen C0677776, MeSH D061325, MONDO:0003582. Disease mechanism: loss of function.

Submission:

Labcorp Genetics (formerly Invitae), Labcorp
Classification: Pathogenic for Hereditary breast ovarian cancer syndrome. Last evaluated: 2018-08-07. Review status: criteria provided, single submitter. Criteria: Invitae Variant Classification Sherloc (09022015). Collection method: clinical testing. Allele origin: germline.
Comment: This variant is a gross deletion of the genomic region encompassing exons 1-2 of the BRCA1 gene, which includes the initiator codon. The 5' end of this event is unknown as it extends beyond the assayed region for this gene and therefore may encompass additional genes. The 3' boundary is likely confined to intron 2 of the BRCA1 gene. This is expected to result in an absent or disrupted protein product. Deletions of exons 1-2 have been reported in several individuals affected with breast cancer (PMID:¬†24825132,¬†23640417,¬†23479189,¬†21120943,¬†207276720). Loss-of-function variants in BRCA1 are known to be pathogenic (PMID: 20104584). For these reasons, this variant has been classified as Pathogenic.

Literature cited by the submitters: PubMed 24825132; PubMed 23640417; PubMed 23479189; PubMed 21120943; PubMed 20104584.

NC_000017.10:g.(?_41276015)_41277500del

Gene: BRCA1 (BRCA1 DNA repair associated; minus strand).
Variant type: Deletion.
Identifiers: ClinVar variation 1072984 (VCV001072984.2).